The following is an entry in ClinVar:

ClinVar aggregate classification (germline): Uncertain significance. Review status: criteria provided, multiple submitters, no conflicts (2 of 4 stars). 2 submissions from 2 submitters: Uncertain significance (2). Last evaluated 2026-04-21.

gnomAD v4.1: 76 of 1,549,878 alleles (0.0049%); highest among the groups gnomAD compares: East Asian, 0.14%; no homozygotes.

Submissions (2):

Women's Health and Genetics/Laboratory Corporation of America, LabCorp
Classification: Uncertain significance. Last evaluated: 2026-04-21. Review status: criteria provided, single submitter. Criteria: LabCorp Variant Classification Summary - May 2015. Collection method: clinical testing. Allele origin: germline.
Comment: Variant summary: AEBP1 c.1633G>A (p.Val545Ile) results in a conservative amino acid change in the encoded protein sequence. Algorithms developed to predict the effect of missense changes on protein structure and function all suggest that this variant is likely to be tolerated. Consensus agreement among computation tools predict no significant impact on normal splicing. However, these predictions have yet to be confirmed by functional studies. The variant allele was found at a frequency of 1.5e-05 in 201170 control chromosomes. The available data on variant occurrences in the general population are insufficient to allow any conclusion about variant significance. To our knowledge, no occurrence of c.1633G>A in individuals affected with AEBP1-related conditions and no experimental evidence demonstrating its impact on protein function have been reported. ClinVar contains an entry for this variant (Variation ID: 4527000). Based on the evidence outlined above, the variant was classified as uncertain significance.

GeneDx
Classification: Uncertain significance. Last evaluated: 2025-04-23. Review status: criteria provided, single submitter. Criteria: GeneDx Variant Classification Process June 2021. Collection method: clinical testing. Allele origin: germline. Affected: yes.
Comment: Not observed at significant frequency in large population cohorts (gnomAD); In silico analysis supports that this missense variant does not alter protein structure/function; Has not been previously published as pathogenic or benign to our knowledge

NM_001129.5(AEBP1):c.1633G>A (p.Val545Ile)

Gene: AEBP1 (AE binding protein 1; plus strand). Cytogenetic location: 7p13.
Variant type: single nucleotide variant.
Coding change: c.1633G>A on transcript NM_001129.5 (MANE Select); coding-DNA position 1633, G replaced by A.
Protein change: p.Val545Ile; replaces valine 545 with isoleucine.
Molecular consequence: missense variant.
Genome position (GRCh38, 1-based): chr7:44,111,156, G>A. VCF-style: chr7-44111156-G-A. GRCh37 (hg19) VCF-style: chr7-44150755-G-A.
Other names: short protein forms V545I.
Identifiers: ClinVar variation 4527000 (VCV004527000.2).